The following is an entry in ClinVar:

NM_001378964.1(CDON):c.3164A>G (p.Asn1055Ser)

Gene: CDON (cell adhesion associated, oncogene regulated; minus strand). Cytogenetic location: 11q24.2.
Variant type: single nucleotide variant.
Coding change: c.3164A>G on transcript NM_001378964.1 (MANE Select); coding-DNA position 3164, A replaced by G.
Protein change: p.Asn1055Ser; replaces asparagine 1055 with serine.
Molecular consequence: missense variant.
Genome position (GRCh38, 1-based): chr11:125,981,161, T>C on the plus strand (A>G on the coding strand, the complement: CDON is on the minus strand). VCF-style: chr11-125981161-T-C. GRCh37 (hg19) VCF-style: chr11-125851056-T-C.
Other names: c.3164A>G, p.Asn1055Ser (NM_001243597.3, NM_016952.6); short protein forms N1055S.
Identifiers: ClinVar variation 3010008 (VCV003010008.3), dbSNP rs149532977, ClinGen allele CA6351496.

ClinVar aggregate classification (germline): Uncertain significance (1 of 4 stars; one submission).

Conditions:
Holoprosencephaly 11 (HPE11). Identifiers: Orphanet 2162, MedGen C3280215, MONDO:0013642, OMIM 614226.

Allele frequency attached by ClinVar (database versions not stated): TOPMed 0.00004; gnomAD exomes 0.00007; gnomAD 0.00008; ExAC 0.00009; ESP Exome Variant Server 0.00023; 1000 Genomes Project 30x 0.00078; 1000 Genomes Project 0.00080.
gnomAD v4.1: 107 of 1,614,102 alleles (0.0066%); highest among the groups gnomAD compares: South Asian, 0.033%; no homozygotes.

Submission:

Labcorp Genetics (formerly Invitae), Labcorp
Classification: Uncertain significance for Holoprosencephaly 11. Last evaluated: 2023-02-10. Review status: criteria provided, single submitter. Criteria: Invitae Variant Classification Sherloc (09022015). Collection method: clinical testing. Allele origin: germline.
Comment: This variant is present in population databases (rs149532977, gnomAD 0.02%). This variant has not been reported in the literature in individuals affected with CDON-related conditions. Advanced modeling of protein sequence and biophysical properties (such as structural, functional, and spatial information, amino acid conservation, physicochemical variation, residue mobility, and thermodynamic stability) performed at Invitae indicates that this missense variant is not expected to disrupt CDON protein function. In summary, the available evidence is currently insufficient to determine the role of this variant in disease. Therefore, it has been classified as a Variant of Uncertain Significance. This sequence change replaces asparagine, which is neutral and polar, with serine, which is neutral and polar, at codon 1055 of the CDON protein (p.Asn1055Ser).